The following is an entry in ClinVar:

ClinVar aggregate classification (germline): Conflicting classifications of pathogenicity. Review status: criteria provided, conflicting classifications (1 of 4 stars). 15 submissions from 15 submitters: Uncertain significance (12); Likely benign (1). 2 of the submissions do not count toward it. Last evaluated 2026-01-20.

Conditions:
Hereditary cancer-predisposing syndrome. Also called: Tumor predisposition; Hereditary neoplastic syndrome; Neoplastic Syndromes, Hereditary; Hereditary Cancer Syndrome. Identifiers: Orphanet 140162, MedGen C0027672, MeSH D009386, MONDO:0015356.
Familial adenomatous polyposis 2. Also called: Adenomas, multiple colorectal; MUTYH-associated polyposis; MUTYH-related attenuated familial adenomatous polyposis; MUTYH Polyposis; COLORECTAL ADENOMATOUS POLYPOSIS, AUTOSOMAL RECESSIVE; ADENOMAS, MULTIPLE COLORECTAL, AUTOSOMAL RECESSIVE. Identifiers: Orphanet 220460, Orphanet 247798, MedGen C3272841, MONDO:0012041, OMIM 608456.

Allele frequency attached by ClinVar (database versions not stated): gnomAD exomes 0.00002; ExAC 0.00001; gnomAD 0.00003; TOPMed 0.00005.

Submissions (15):

Labcorp Genetics (formerly Invitae), Labcorp
Classification: Uncertain significance for Familial adenomatous polyposis 2. Last evaluated: 2026-01-20. Review status: criteria provided, single submitter. Criteria: Invitae Variant Classification Sherloc (09022015). Collection method: clinical testing. Allele origin: germline.
Comment: This sequence change replaces arginine, which is basic and polar, with tryptophan, which is neutral and slightly polar, at codon 437 of the MUTYH protein (p.Arg437Trp). This variant is present in population databases (rs587778540, gnomAD 0.02%). This missense change has been observed in individual(s) with MUTYH-related conditions (PMID: 31422818, 36243179). ClinVar contains an entry for this variant (Variation ID: 134864). An algorithm developed to predict the effect of missense changes on protein structure and function (PolyPhen-2) suggests that this variant is likely to be disruptive. In summary, the available evidence is currently insufficient to determine the role of this variant in disease. Therefore, it has been classified as a Variant of Uncertain Significance.

Center for Genomic Medicine, Rigshospitalet, Copenhagen University Hospital
Classification: Uncertain significance. Last evaluated: 2025-12-29. Review status: criteria provided, single submitter. Criteria: ACMG Guidelines, 2015. Collection method: clinical testing. Allele origin: germline.

Ambry Genetics
Classification: Likely benign for Hereditary cancer-predisposing syndrome. Last evaluated: 2025-09-09. Review status: criteria provided, single submitter. Criteria: Ambry Variant Classification Scheme 2023. Collection method: clinical testing. Allele origin: germline.

GeneDx
Classification: Uncertain significance. Last evaluated: 2024-08-06. Review status: criteria provided, single submitter. Criteria: GeneDx Variant Classification Process June 2021. Collection method: clinical testing. Allele origin: germline. Affected: yes.
Comment: Observed in a colorectal cancer/polyps case-control study, but it is unclear whether it was detected in cases or controls, and also observed in individual(s) with breast cancer (PMID: 31422818, 33606809, 35957908); In silico analysis supports that this missense variant has a deleterious effect on protein structure/function; Also known as p.(R434W); This variant is associated with the following publications: (PMID: 24728327, 28452373, 34621001, 23108399, 35957908, 31422818, 33606809, 36243179)

Quest Diagnostics Nichols Institute San Juan Capistrano
Classification: Uncertain significance. Last evaluated: 2024-06-17. Review status: criteria provided, single submitter. Criteria: Quest Diagnostics criteria. Collection method: clinical testing. Allele origin: unknown.
Comment: The MUTYH c.1309C>T (p.Arg437Trp) variant has been reported in the published literature in individuals with breast and/or ovarian cancer (PMID: 35957908 (2022), 33606809 (2021), 33471991 (2021), see also LOVD) and colorectal cancer and/or colon polyps (PMID: 31422818 (2019)). This variant has also been identified in reportedly healthy individuals (PMID: 24728327 (2014), 33471991 (2021), see also LOVD). The frequency of this variant in the general population, 0.00016 (4/24954 chromosomes (Genome Aggregation Database)), is uninformative in the assessment of its pathogenicity. Analysis of this variant using bioinformatics tools for the prediction of the effect of amino acid changes on protein structure and function yielded conflicting predictions that this variant is benign or damaging. Based on the available information, we are unable to determine the clinical significance of this variant.

Revvity Omics, Revvity
Classification: Uncertain significance for Familial adenomatous polyposis 2. Last evaluated: 2024-05-16. Review status: criteria provided, single submitter. Criteria: ACMG Guidelines, 2015. Collection method: clinical testing. Allele origin: germline.

All of Us Research Program, National Institutes of Health
Classification: Uncertain significance for Familial adenomatous polyposis 2. Last evaluated: 2023-11-02. Review status: criteria provided, single submitter. Criteria: ACMG Guidelines, 2015. Collection method: clinical testing. Allele origin: germline. Inheritance: Autosomal recessive inheritance. Observed: 2 variant alleles, 2 heterozygotes.
Comment: This missense variant replaces arginine with tryptophan at codon 437 of the MUTYH protein. Computational prediction suggests that this variant may not impact protein structure and function (internally defined REVEL score threshold <= 0.5, PMID: 27666373). To our knowledge, functional studies have not been reported for this variant. This variant has not been reported in individuals affected with hereditary cancer in the literature but has been reported in a healthy individual (PMID: 24728327). This variant has been identified in 8/282742 chromosomes in the general population by the Genome Aggregation Database (gnomAD). The available evidence is insufficient to determine the role of this variant in disease conclusively. Therefore, this variant is classified as a Variant of Uncertain Significance.

This study involves interpretation of variants in research participants for the purpose of population health screening. Participant phenotype was not available at the time of variant classification. Additional details can be found in publication PMID: 35346344, PMCID: PMC8962531

Baylor Genetics
Classification: Uncertain significance for Familial adenomatous polyposis 2. Last evaluated: 2023-09-26. Review status: criteria provided, single submitter. Criteria: ACMG Guidelines, 2015. Collection method: clinical testing. Allele origin: unknown.

Color Diagnostics, LLC DBA Color Health
Classification: Uncertain significance for Hereditary cancer-predisposing syndrome. Last evaluated: 2022-11-16. Review status: criteria provided, single submitter. Criteria: ACMG Guidelines, 2015. Collection method: clinical testing. Allele origin: germline.
Comment: This missense variant replaces arginine with tryptophan at codon 437 of the MUTYH protein. Computational prediction suggests that this variant may not impact protein structure and function (internally defined REVEL score threshold <= 0.5, PMID: 27666373). To our knowledge, functional studies have not been reported for this variant. This variant has not been reported in individuals affected with hereditary cancer in the literature but has been reported in a healthy individual (PMID: 24728327). This variant has been identified in 8/282742 chromosomes in the general population by the Genome Aggregation Database (gnomAD). The available evidence is insufficient to determine the role of this variant in disease conclusively. Therefore, this variant is classified as a Variant of Uncertain Significance.

Laboratorio de Genetica e Diagnostico Molecular, Hospital Israelita Albert Einstein
Classification: Uncertain significance for Familial adenomatous polyposis 2. Last evaluated: 2022-09-23. Review status: criteria provided, single submitter. Criteria: ACMG Guidelines, 2015. Collection method: clinical testing. Allele origin: germline. Affected: yes. Observed: 1 variant allele.
Comment: ACMG classification criteria: PM2 moderated, BP4 supporting

Department of Pathology and Laboratory Medicine, Sinai Health System
Classification: Uncertain significance for Familial adenomatous polyposis 2. Last evaluated: 2020-10-26. Review status: criteria provided, single submitter. Criteria: ACMG Guidelines, 2015. Collection method: clinical testing. Allele origin: germline. Affected: yes.

Laboratory for Molecular Medicine, Mass General Brigham Personalized Medicine
Classification: Uncertain significance. Last evaluated: 2017-02-20. Review status: criteria provided, single submitter. Criteria: LMM Criteria. Collection method: clinical testing. Allele origin: germline. Observed: 1 variant allele.
Comment: The p.Arg437Trp variant in MUTYH has not been previously reported in individuals with MUTYH-associated polyposis but has been identified in 1/11568 of Latino ch romosomes by the Exome Aggregation Consortium (ExAC. org; dbSNP rs587778540). Although this variant has been seen in the general popu lation, its frequency is not high enough to rule out a pathogenic role. Computat ional prediction tools and conservation analysis do not provide strong support f or or against an impact to the protein. In summary, the clinical significance of the p.Arg437Trp variant is uncertain.

Women's Health and Genetics/Laboratory Corporation of America, LabCorp
Classification: Uncertain significance. Last evaluated: 2016-02-01. Review status: criteria provided, single submitter. Criteria: LabCorp Variant Classification Summary - May 2015. Collection method: clinical testing. Allele origin: germline.

Counsyl
Classification: Uncertain significance for Familial adenomatous polyposis 2. Last evaluated: 2016-10-26. Review status: no assertion criteria provided. Collection method: clinical testing. Allele origin: unknown. Not counted in ClinVar's aggregate classification.

ITMI
No classification provided. Condition: AllHighlyPenetrant. Last evaluated: 2013-09-19. Review status: no classification provided. Collection method: reference population. Allele origin: germline. Not counted in ClinVar's aggregate classification.
Comment: Please see associated publication for description of ethnicities

Literature cited by the submitters: PubMed 31422818 (cited by 3 submitters); PubMed 36243179 (cited by Labcorp Genetics (formerly Invitae), Labcorp); PubMed 33606809 (cited by Ambry Genetics and Quest Diagnostics Nichols Institute San Juan Capistrano); PubMed 34621001 (cited by Ambry Genetics); PubMed 40738107 (cited by Ambry Genetics); PubMed 33471991 (cited by Quest Diagnostics Nichols Institute San Juan Capistrano); PubMed 24728327 (cited by 7 submitters); PubMed 35957908 (cited by Quest Diagnostics Nichols Institute San Juan Capistrano).

NM_001048174.2(MUTYH):c.1225C>T (p.Arg409Trp)

Gene: MUTYH (mutY DNA glycosylase; minus strand). Cytogenetic location: 1p34.1.
Variant type: single nucleotide variant.
Coding change: c.1225C>T on transcript NM_001048174.2 (MANE Select); coding-DNA position 1225, C replaced by T.
Protein change: p.Arg409Trp; replaces arginine 409 with tryptophan.
Molecular consequence: missense variant. On other transcripts: non-coding transcript variant (2).
Genome position (GRCh38, 1-based): chr1:45,331,434, G>A on the plus strand (C>T on the coding strand, the complement: MUTYH is on the minus strand). VCF-style: chr1-45331434-G-A. GRCh37 (hg19) VCF-style: chr1-45797106-G-A.
Other names: c.1225C>T, p.Arg409Trp (NM_001048171.2, NM_001048173.2, NM_001293195.2); c.1228C>T, p.Arg410Trp (NM_001048172.2); c.1309C>T, p.Arg437Trp (NM_001128425.2); c.1270C>T, p.Arg424Trp (NM_001293190.2); c.1258C>T, p.Arg420Trp (NM_001293191.2); c.949C>T, p.Arg317Trp (NM_001293192.2, NM_001293196.2); c.880C>T, p.Arg294Trp (NM_001350650.2, NM_001350651.2); c.1300C>T, p.Arg434Trp (NM_012222.3); short protein forms R437W, R423W, R424W, R294W, R410W, R434W, R317W, R409W.
Identifiers: ClinVar variation 134864 (VCV000134864.40), dbSNP rs587778540, ClinGen allele CA012579.